The following is an entry in ClinVar:

NM_001374828.1(ARID1B):c.6172G>A (p.Ala2058Thr)

Gene: ARID1B (AT-rich interaction domain 1B; plus strand). Cytogenetic location: 6q25.3.
Variant type: single nucleotide variant.
Coding change: c.6172G>A on transcript NM_001374828.1 (MANE Select); coding-DNA position 6172, G replaced by A.
Protein change: p.Ala2058Thr; replaces alanine 2058 with threonine.
Molecular consequence: missense variant.
Genome position (GRCh38, 1-based): chr6:157,206,944, G>A. VCF-style: chr6-157206944-G-A. GRCh37 (hg19) VCF-style: chr6-157528078-G-A.
Other names: c.5803G>A (NM_020732.3); c.3673G>A, p.Ala1225Thr (NM_001363725.2); c.6052G>A, p.Ala2018Thr (NM_001371656.1, NM_001374820.1); c.6013G>A, p.Ala2005Thr (NM_017519.3); short protein forms A1225T, A2005T, A2018T, A2058T.
Identifiers: ClinVar variation 1032089 (VCV001032089.27), dbSNP rs772464386, ClinGen allele CA4067967.

ClinVar aggregate classification (germline): Conflicting classifications of pathogenicity. Review status: criteria provided, conflicting classifications (1 of 4 stars). 3 submissions from 3 submitters: Uncertain significance (1); Likely benign (2). Last evaluated 2024-10-17.

Conditions:
Coffin-Siris syndrome 1 (CSS1). Also called: Mental retardation, autosomal dominant 12; ARID1B-Related Coffin-Siris Syndrome. Identifiers: Orphanet 1465, MedGen C3281201, MONDO:0007617, OMIM 135900. Disease mechanism: gain of function.

Allele frequency attached by ClinVar (database versions not stated): gnomAD 0.00001; gnomAD exomes 0.00002; TOPMed 0.00002; ExAC 0.00003.
gnomAD v4.1: 28 of 1,614,148 alleles (0.0017%); highest among the groups gnomAD compares: East Asian, 0.016%; no homozygotes.

Submissions (3):

Labcorp Genetics (formerly Invitae), Labcorp
Classification: Likely benign. Last evaluated: 2024-10-17. Review status: criteria provided, single submitter. Criteria: Invitae Variant Classification Sherloc (09022015). Collection method: clinical testing. Allele origin: germline.

CeGaT Center for Human Genetics Tuebingen
Classification: Likely benign. Last evaluated: 2022-10-01. Review status: criteria provided, single submitter. Criteria: CeGaT Center For Human Genetics Tuebingen Variant Classification Criteria Version 2. Collection method: clinical testing. Allele origin: germline. Affected: yes. Observed: 1 variant allele.
Comment: ARID1B: BP4

Baylor Genetics
Classification: Uncertain significance for Coffin-Siris syndrome 1. Last evaluated: 2018-07-24. Review status: criteria provided, single submitter. Criteria: ACMG Guidelines, 2015. Collection method: clinical testing. Allele origin: maternal. Affected: yes.
Comment: This variant was determined to be of uncertain significance according to ACMG Guidelines, 2015 [PMID:25741868].